The following is an entry in ClinVar:

NM_014946.4(SPAST):c.1360G>A (p.Glu454Lys)

Gene: SPAST (spastin; plus strand). Cytogenetic location: 2p22.3.
Variant type: single nucleotide variant.
Coding change: c.1360G>A on transcript NM_014946.4 (MANE Select); coding-DNA position 1360, G replaced by A.
Protein change: p.Glu454Lys; replaces glutamic acid 454 with lysine.
Molecular consequence: missense variant.
Genome position (GRCh38, 1-based): chr2:32,136,915, G>A. VCF-style: chr2-32136915-G-A. GRCh37 (hg19) VCF-style: chr2-32361984-G-A.
Other names: c.1357G>A, p.Glu453Lys (NM_001363823.2); c.1261G>A, p.Glu421Lys (NM_001363875.2); c.1264G>A, p.Glu422Lys (NM_001377959.1, NM_199436.2); short protein forms E422K, E421K, E453K, E454K.
Identifiers: ClinVar variation 665112 (VCV000665112.15), dbSNP rs1553318230, ClinGen allele CA346502245.

ClinVar aggregate classification (germline): Pathogenic. Review status: criteria provided, multiple submitters, no conflicts (2 of 4 stars). 4 submissions from 4 submitters: Pathogenic (4). Last evaluated 2023-04-20.

Conditions:
Hereditary spastic paraplegia 4. Also called: Spastic paraplegia 4, autosomal dominant; Spastic Paraplegia 4; Familial spastic paraplegia autosomal dominant 2. Identifiers: Orphanet 100985, MedGen C1866855, MONDO:0008438, OMIM 182601.

Submissions (4):

Duke University Health System Sequencing Clinic, Duke University Health System
Classification: Pathogenic for Hereditary spastic paraplegia 4. Last evaluated: 2023-04-20. Review status: criteria provided, single submitter. Criteria: ACMG Guidelines, 2015. Collection method: research. Allele origin: de novo. Affected: yes.

Labcorp Genetics (formerly Invitae), Labcorp
Classification: Pathogenic for Hereditary spastic paraplegia 4. Last evaluated: 2022-02-22. Review status: criteria provided, single submitter. Criteria: Invitae Variant Classification Sherloc (09022015). Collection method: clinical testing. Allele origin: germline.
Comment: For these reasons, this variant has been classified as Pathogenic. Advanced modeling of protein sequence and biophysical properties (such as structural, functional, and spatial information, amino acid conservation, physicochemical variation, residue mobility, and thermodynamic stability) performed at Invitae indicates that this missense variant is expected to disrupt SPAST protein function. ClinVar contains an entry for this variant (Variation ID: 665112). This missense change has been observed in individual(s) with hereditary spastic paraplegia (PMID: 20550563, 29691679, 31157359; Invitae). In at least one individual the variant was observed to be de novo. This variant is not present in population databases (gnomAD no frequency). This sequence change replaces glutamic acid, which is acidic and polar, with lysine, which is basic and polar, at codon 454 of the SPAST protein (p.Glu454Lys).

Institute of Human Genetics Munich, TUM University Hospital
Classification: Pathogenic for Hereditary spastic paraplegia 4. Last evaluated: 2018-03-21. Review status: criteria provided, single submitter. Criteria: Classification criteria August 2017. Collection method: clinical testing. Allele origin: de novo. Inheritance: Autosomal dominant inheritance. Affected: yes. Observed: 1 heterozygote.

Paris Brain Institute, Inserm - ICM
Classification: Pathogenic for Hereditary spastic paraplegia 4. Review status: criteria provided, single submitter. Criteria: ACMG Guidelines, 2015. Collection method: clinical testing. Allele origin: unknown. Affected: yes. Observed: 1 variant allele.

Literature cited by the submitters: PubMed 20550563 (cited by Labcorp Genetics (formerly Invitae), Labcorp); PubMed 29691679 (cited by Labcorp Genetics (formerly Invitae), Labcorp); PubMed 31157359 (cited by Labcorp Genetics (formerly Invitae), Labcorp).